The following is an entry in ClinVar:

NM_001372066.1(TFAP2A):c.409C>A (p.His137Asn)

Gene: TFAP2A (transcription factor AP-2 alpha; minus strand). Cytogenetic location: 6p24.3.
Variant type: single nucleotide variant.
Coding change: c.409C>A on transcript NM_001372066.1 (MANE Select); coding-DNA position 409, C replaced by A.
Protein change: p.His137Asn; replaces histidine 137 with asparagine.
Molecular consequence: missense variant.
Genome position (GRCh38, 1-based): chr6:10,409,978, G>T on the plus strand (C>A on the coding strand, the complement: TFAP2A is on the minus strand). VCF-style: chr6-10409978-G-T. GRCh37 (hg19) VCF-style: chr6-10410211-G-T.
Other names: NM_003220.2:c.403C>A; c.385C>A, p.His129Asn (NM_001032280.3); c.391C>A, p.His131Asn (NM_001042425.3); short protein forms H129N, H131N, H137N.
Identifiers: ClinVar variation 2498019 (VCV002498019.1), dbSNP rs1757883501, ClinGen allele CA362703970.

ClinVar aggregate classification (germline): Uncertain significance (1 of 4 stars; one submission).

Submission:

GeneDx
Classification: Uncertain significance. Last evaluated: 2022-09-08. Review status: criteria provided, single submitter. Criteria: GeneDx Variant Classification Process June 2021. Collection method: clinical testing. Allele origin: germline. Affected: yes.
Comment: Not observed at significant frequency in large population cohorts (gnomAD); In silico analysis supports that this missense variant has a deleterious effect on protein structure/function; Has not been previously published as pathogenic or benign to our knowledge